The following is an entry in ClinVar:

ClinVar aggregate classification (germline): Uncertain significance. Review status: criteria provided, multiple submitters, no conflicts (2 of 4 stars). 3 submissions from 3 submitters: Uncertain significance (3). Last evaluated 2024-06-17.

Conditions:
Hypertrophic cardiomyopathy. Also called: HYPERTROPHIC MYOCARDIOPATHY. Identifiers: Orphanet 217569, MedGen C0007194, MeSH D002312, MONDO:0005045, HP:0001639.
Cardiomyopathy (CMYO). Also called: Cardiomyopathies. Identifiers: Orphanet 167848, MedGen C0878544, MONDO:0004994, HP:0001638. Inheritance: Various modes of inheritance.

Submissions (3):

All of Us Research Program, National Institutes of Health
Classification: Uncertain significance for Cardiomyopathy. Last evaluated: 2024-06-17. Review status: criteria provided, single submitter. Criteria: ACMG Guidelines, 2015. Collection method: clinical testing. Allele origin: germline. Inheritance: Autosomal dominant inheritance. Observed: 1 variant allele, 1 heterozygote.
Comment: This missense variant replaces glutamine with lysine at codon 1811 of the MYH7 protein. Computational prediction is inconclusive regarding the impact of this variant on protein structure and function (internally defined REVEL score threshold 0.5 < inconclusive < 0.7, PMID: 27666373). To our knowledge, functional studies have not been reported for this variant. This variant has not been reported in individuals affected with MYH7-related disorders in the literature. This variant has not been identified in the general population by the Genome Aggregation Database (gnomAD). The available evidence is insufficient to determine the role of this variant in disease conclusively. Therefore, this variant is classified as a Variant of Uncertain Significance.

This study involves interpretation of variants in research participants for the purpose of population health screening. Participant phenotype was not available at the time of variant classification. Additional details can be found in publication PMID: 35346344, PMCID: PMC8962531

Color Diagnostics, LLC DBA Color Health
Classification: Uncertain significance for Cardiomyopathy. Last evaluated: 2024-06-04. Review status: criteria provided, single submitter. Criteria: ACMG Guidelines, 2015. Collection method: clinical testing. Allele origin: germline.
Comment: This missense variant replaces glutamine with lysine at codon 1811 of the MYH7 protein. Computational prediction is inconclusive regarding the impact of this variant on protein structure and function. To our knowledge, functional studies have not been reported for this variant. This variant has not been reported in individuals affected with MYH7-related disorders in the literature. This variant has not been identified in the general population by the Genome Aggregation Database (gnomAD). The available evidence is insufficient to determine the role of this variant in disease conclusively. Therefore, this variant is classified as a Variant of Uncertain Significance.

Labcorp Genetics (formerly Invitae), Labcorp
Classification: Uncertain significance for Hypertrophic cardiomyopathy. Last evaluated: 2018-10-10. Review status: criteria provided, single submitter. Criteria: Invitae Variant Classification Sherloc (09022015). Collection method: clinical testing. Allele origin: germline.
Comment: In summary, the available evidence is currently insufficient to determine the role of this variant in disease. Therefore, it has been classified as a Variant of Uncertain Significance. Algorithms developed to predict the effect of missense changes on protein structure and function are either unavailable or do not agree on the potential impact of this missense change (SIFT: "Deleterious"; PolyPhen-2: "Possibly Damaging"; Align-GVGD: "Class C0"). This variant has not been reported in the literature in individuals with MYH7-related disease. This variant is not present in population databases (ExAC no frequency). This sequence change replaces glutamine with lysine at codon 1811 of the MYH7 protein (p.Gln1811Lys). The glutamine residue is highly conserved and there is a small physicochemical difference between glutamine and lysine.

NM_000257.4(MYH7):c.5431C>A (p.Gln1811Lys)

Gene: MYH7 (myosin heavy chain 7; minus strand). Cytogenetic location: 14q11.2.
Variant type: single nucleotide variant.
Coding change: c.5431C>A on transcript NM_000257.4 (MANE Select); coding-DNA position 5431, C replaced by A.
Protein change: p.Gln1811Lys; replaces glutamine 1811 with lysine.
Molecular consequence: missense variant.
Genome position (GRCh38, 1-based): chr14:23,415,123, G>T on the plus strand (C>A on the coding strand, the complement: MYH7 is on the minus strand). VCF-style: chr14-23415123-G-T. GRCh37 (hg19) VCF-style: chr14-23884332-G-T.
Other names: short protein forms Q1811K.
Identifiers: ClinVar variation 656602 (VCV000656602.9), dbSNP rs1595071738, ClinGen allele CA389035424.